The following is an entry in ClinVar:

NM_001440.4(EXTL3):c.2277G>T (p.Arg759=)

Gene: EXTL3 (exostosin like glycosyltransferase 3; plus strand). Cytogenetic location: 8p21.1.
Variant type: single nucleotide variant.
Coding change: c.2277G>T on transcript NM_001440.4 (MANE Select); coding-DNA position 2277, G replaced by T.
Protein change: p.Arg759=; no amino-acid change (arginine 759 retained).
Molecular consequence: synonymous variant. On other transcripts: non-coding transcript variant (1).
Genome position (GRCh38, 1-based): chr8:28,737,519, G>T. VCF-style: chr8-28737519-G-T. GRCh37 (hg19) VCF-style: chr8-28595036-G-T.
Other names: c.2277G>T (NM_001440.2).
Identifiers: ClinVar variation 1439307 (VCV001439307.7), dbSNP rs144474985, ClinGen allele CA4696397.
Genomic context (GRCh38, chr8:28,737,519, plus strand): 5'-CACTTCTGATGACCCTAGAGCTCTGTATTCAGGTCTGTGTATGCACTTGTGTTTTTCAAG[G>T]GTGTGGAGAGAAGCTCGGGACCGCATCGTGGGCTTCCCTGGCCGTTACCACGCATGGGAC-3'
Protein context (NP_001431.1, residues 749-769): LRHDEIMFGF[Arg759=]VWREARDRIV

ClinVar aggregate classification (germline): Conflicting classifications of pathogenicity. Review status: criteria provided, conflicting classifications (1 of 4 stars). 3 submissions from 3 submitters: Uncertain significance (2); Likely benign (1). Last evaluated 2023-05-24.

Conditions:
Inborn genetic diseases. Identifiers: MedGen C0950123, MeSH D030342.

Allele frequency attached by ClinVar (database versions not stated): gnomAD 0.00002; TOPMed 0.00003; ExAC 0.00006; gnomAD exomes 0.00008 and 0.00010; ESP Exome Variant Server 0.00015.
gnomAD v4.1: 150 of 1,613,844 alleles (0.0093%); highest among the groups gnomAD compares: Admixed American, 0.032%; 1 homozygote.

Submissions (3):

Blueprint Genetics
Classification: Likely benign. Last evaluated: 2023-05-24. Review status: criteria provided, single submitter. Criteria: ACMG Guidelines, 2015. Collection method: clinical testing. Allele origin: germline.

Labcorp Genetics (formerly Invitae), Labcorp
Classification: Uncertain significance. Last evaluated: 2022-10-17. Review status: criteria provided, single submitter. Criteria: Invitae Variant Classification Sherloc (09022015). Collection method: clinical testing. Allele origin: germline.
Comment: This sequence change affects codon 759 of the EXTL3 mRNA. It is a 'silent' change, meaning that it does not change the encoded amino acid sequence of the EXTL3 protein. It affects a nucleotide within the consensus splice site. This variant is present in population databases (rs144474985, gnomAD 0.04%), including at least one homozygous and/or hemizygous individual. This variant has not been reported in the literature in individuals affected with EXTL3-related conditions. ClinVar contains an entry for this variant (Variation ID: 1439307). Algorithms developed to predict the effect of sequence changes on RNA splicing suggest that this variant is not likely to affect RNA splicing. In summary, the available evidence is currently insufficient to determine the role of this variant in disease. Therefore, it has been classified as a Variant of Uncertain Significance.

Ambry Genetics
Classification: Uncertain significance for Inborn genetic diseases. Last evaluated: 2022-03-10. Review status: criteria provided, single submitter. Criteria: Ambry Variant Classification Scheme 2023. Collection method: clinical testing. Allele origin: germline.
Comment: Occurs in the first base pair of the exon Based on insufficient or conflicting evidence, the clinical significance of this alteration remains unclear.